The following is an entry in ClinVar:

NM_000562.3(C8A):c.172-2A>G

Gene: C8A (complement C8 alpha chain; plus strand). Cytogenetic location: 1p32.2.
Variant type: single nucleotide variant.
Coding change: c.172-2A>G on transcript NM_000562.3 (MANE Select); the canonical splice acceptor site of the intron before coding-DNA position 172, A replaced by G.
Molecular consequence: splice acceptor variant.
Genome position (GRCh38, 1-based): chr1:56,874,947, A>G. VCF-style: chr1-56874947-A-G. GRCh37 (hg19) VCF-style: chr1-57340620-A-G.
Identifiers: ClinVar variation 1905123 (VCV001905123.5), dbSNP rs770385213, ClinGen allele CA874954.

ClinVar aggregate classification (germline): Likely pathogenic (1 of 4 stars; one submission).

Allele frequency attached by ClinVar (database versions not stated): gnomAD exomes 0.00001; ExAC 0.00002; TOPMed 0.00002; gnomAD 0.00003.
gnomAD v4.1: 22 of 1,613,450 alleles (0.0014%); highest among the groups gnomAD compares: Admixed American, 0.0017%; no homozygotes.

Submission:

Labcorp Genetics (formerly Invitae), Labcorp
Classification: Likely pathogenic. Last evaluated: 2025-12-09. Review status: criteria provided, single submitter. Criteria: Invitae Variant Classification Sherloc (09022015). Collection method: clinical testing. Allele origin: germline.
Comment: This sequence change affects an acceptor splice site in intron 2 of the C8A gene. It is expected to disrupt RNA splicing. Variants that disrupt the donor or acceptor splice site typically lead to a loss of protein function (PMID: 16199547), and loss-of-function variants in C8A are known to be pathogenic (PMID: 9759902). This variant is present in population databases (rs770385213, gnomAD 0.004%). This variant has not been reported in the literature in individuals affected with C8A-related conditions. ClinVar contains an entry for this variant (Variation ID: 1905123). Algorithms developed to predict the effect of sequence changes on RNA splicing suggest that this variant may disrupt the consensus splice site. In summary, the currently available evidence indicates that the variant is pathogenic, but additional data are needed to prove that conclusively. Therefore, this variant has been classified as Likely Pathogenic.

Literature cited by the submitters: PubMed 16199547; PubMed 9759902.